The following is an entry in ClinVar:

ClinVar aggregate classification (germline): Benign/Likely benign. Review status: criteria provided, multiple submitters, no conflicts (2 of 4 stars). 4 submissions from 3 submitters: Benign (3); Likely benign (1). Last evaluated 2025-09-23.

Conditions:
Hereditary pulmonary alveolar proteinosis. Also called: Pulmonary surfactant metabolism dysfunction. Identifiers: Orphanet 264675, MedGen C3711368, MONDO:0012580.
Surfactant metabolism dysfunction, pulmonary, 2 (SMDP2). Also called: DESQUAMATIVE INTERSTITIAL PNEUMONITIS DUE TO SURFACTANT PROTEIN C DEFICIENCY; INTERSTITIAL LUNG DISEASE DUE TO SURFACTANT PROTEIN C DEFICIENCY; PULMONARY ALVEOLAR PROTEINOSIS, CONGENITAL, 2. Identifiers: Orphanet 440392, MedGen C1970470, MONDO:0024465, OMIM 610913.
Interstitial lung disease 2 (ILD2). Also called: FIBROCYSTIC PULMONARY DYSPLASIA; FIBROSING ALVEOLITIS, CRYPTOGENIC; Familial idiopathic pulmonary fibrosis. Identifiers: Orphanet 2032, Orphanet 79126, MedGen C5561926, MONDO:0800497, OMIM 178500, MONDO:0800029.

Allele frequency attached by ClinVar (database versions not stated): gnomAD exomes 0.00067; 1000 Genomes Project 30x 0.00094; TOPMed 0.00014; ExAC 0.00079; gnomAD 0.00012 and 0.00029; 1000 Genomes Project 0.00100.
gnomAD v4.1: 536 of 1,612,200 alleles (0.033%); highest among the groups gnomAD compares: South Asian, 0.43%; 4 homozygotes.

Submissions (4):

Labcorp Genetics (formerly Invitae), Labcorp
Classification: Benign. Last evaluated: 2025-09-23. Review status: criteria provided, single submitter. Criteria: Invitae Variant Classification Sherloc (09022015). Collection method: clinical testing. Allele origin: germline.

Illumina Laboratory Services, Illumina
Classification: Benign for Idiopathic fibrosing alveolitis, chronic form. Last evaluated: 2018-01-13. Review status: criteria provided, single submitter. Criteria: ICSL Variant Classification Criteria 13 December 2019. Collection method: clinical testing. Allele origin: germline.
Comment: This variant was observed in the ICSL laboratory as part of a predisposition screen in an ostensibly healthy population. It had not been previously curated by ICSL or reported in the Human Gene Mutation Database (HGMD: prior to June 1st, 2018), and was therefore a candidate for classification through an automated scoring system. Utilizing variant allele frequency, disease prevalence and penetrance estimates, and inheritance mode, an automated score was calculated to assess if this variant is too frequent to cause the disease. Based on the score and internal cut-off values, a variant classified as benign is not then subjected to further curation. The score for this variant resulted in a classification of benign for this disease.

Illumina Laboratory Services, Illumina
Classification: Benign for Surfactant metabolism dysfunction, pulmonary, 2. Last evaluated: 2018-01-13. Review status: criteria provided, single submitter. Criteria: ICSL Variant Classification Criteria 13 December 2019. Collection method: clinical testing. Allele origin: germline.
Comment: the same text as in the submission from Illumina Laboratory Services, Illumina above.

Ambry Genetics
Classification: Likely benign for Hereditary pulmonary alveolar proteinosis. Last evaluated: 2017-04-12. Review status: criteria provided, single submitter. Criteria: Ambry Variant Classification Scheme 2023. Collection method: clinical testing. Allele origin: germline.

NM_001317778.2(SFTPC):c.552C>T (p.Gly184=)

Gene: SFTPC (surfactant protein C; plus strand). Cytogenetic location: 8p21.3.
Variant type: single nucleotide variant.
Coding change: c.552C>T on transcript NM_001317778.2 (MANE Select); coding-DNA position 552, C replaced by T.
Protein change: p.Gly184=; no amino-acid change (glycine 184 retained).
Molecular consequence: synonymous variant.
Genome position (GRCh38, 1-based): chr8:22,164,017, C>T. VCF-style: chr8-22164017-C-T. GRCh37 (hg19) VCF-style: chr8-22021530-C-T.
Other names: c.552C>T, p.Gly184= (NM_001172357.2, NM_001317780.2); c.570C>T, p.Gly190= (NM_001172410.2, NM_003018.4); c.411C>T, p.Gly137= (NM_001317779.2).
Identifiers: ClinVar variation 362563 (VCV000362563.9), dbSNP rs529959941, ClinGen allele CA4664080.